The following is an entry in ClinVar:

ClinVar aggregate classification (germline): Conflicting classifications of pathogenicity. Review status: criteria provided, conflicting classifications (1 of 4 stars). 3 submissions from 3 submitters: Uncertain significance (1); Benign (1); Likely benign (1). Last evaluated 2026-02-01.

Conditions:
3-Oxo-5 alpha-steroid delta 4-dehydrogenase deficiency (PPSH). Also called: 46,XY disorder of sex development due to 5-alpha-reductase 2 deficiency; FAMILIAL INCOMPLETE MALE PSEUDOHERMAPHRODITISM, TYPE 2; MALE PSEUDOHERMAPHRODITISM DUE TO 5-ALPHA-REDUCTASE DEFICIENCY; PSEUDOVAGINAL PERINEOSCROTAL HYPOSPADIAS. Identifiers: Orphanet 753, MedGen C0268297, MONDO:0009923, OMIM 264600. Disease mechanism: loss of function.

Allele frequency attached by ClinVar (database versions not stated): gnomAD exomes 0.00017 and 0.00042; ExAC 0.00112; TOPMed 0.00165; gnomAD 0.00180 and 0.00188; ESP Exome Variant Server 0.00197; 1000 Genomes Project 0.00220; 1000 Genomes Project 30x 0.00234.
gnomAD v4.1: 545 of 1,597,022 alleles (0.034%); highest among the groups gnomAD compares: African/African-American, 0.63%; 3 homozygotes.

Submissions (3):

Labcorp Genetics (formerly Invitae), Labcorp
Classification: Benign for 3-Oxo-5 alpha-steroid delta 4-dehydrogenase deficiency. Last evaluated: 2026-02-01. Review status: criteria provided, single submitter. Criteria: Invitae Variant Classification Sherloc (09022015). Collection method: clinical testing. Allele origin: germline.

Blueprint Genetics
Classification: Likely benign. Last evaluated: 2024-09-13. Review status: criteria provided, single submitter. Criteria: ACMG Guidelines, 2015. Collection method: clinical testing. Allele origin: germline.

GeneDx
Classification: Uncertain significance. Last evaluated: 2021-02-08. Review status: criteria provided, single submitter. Criteria: GeneDx Variant Classification Process June 2021. Collection method: clinical testing. Allele origin: germline. Affected: yes.
Comment: Missense variants in this gene are often considered pathogenic (Stenson et al., 2014); In silico analysis, which includes protein predictors and evolutionary conservation, supports that this variant does not alter protein structure/function; This variant is associated with the following publications: (PMID: 30238986, 22371315, 10458450, 21037542)

NM_000348.4(SRD5A2):c.337C>G (p.Leu113Val)

Gene: SRD5A2 (steroid 5 alpha-reductase 2; minus strand). Cytogenetic location: 2p23.1.
Variant type: single nucleotide variant.
Coding change: c.337C>G on transcript NM_000348.4 (MANE Select); coding-DNA position 337, C replaced by G.
Protein change: p.Leu113Val; replaces leucine 113 with valine.
Molecular consequence: missense variant.
Genome position (GRCh38, 1-based): chr2:31,533,711, G>C on the plus strand (C>G on the coding strand, the complement: SRD5A2 is on the minus strand). VCF-style: chr2-31533711-G-C. GRCh37 (hg19) VCF-style: chr2-31758781-G-C.
Other names: short protein forms L113V.
Identifiers: ClinVar variation 459636 (VCV000459636.15), dbSNP rs28383048, ClinGen allele CA1599959.
Genomic context (GRCh38, chr2:31,533,711, plus strand): 5'-AGTAAATCAGATAGTAGCCTTGAAGGACTCCATTTCCAGTGCAGAAGGCAGTGCCTCTGA[G>C]AATGAGTATAGCTGGATAAGGCCTCCCTCGATTGAGCAGTGAGTACACAAATGTCCTGGG-3'
Protein context (NP_000339.2, residues 103-123): RGRPYPAILI[Leu113Val]RGTAFCTGNG